The following is an entry in ClinVar:

NM_004655.4(AXIN2):c.1529C>T (p.Thr510Met)

Gene: AXIN2 (axin 2; minus strand). Cytogenetic location: 17q24.1.
Variant type: single nucleotide variant.
Coding change: c.1529C>T on transcript NM_004655.4 (MANE Select); coding-DNA position 1529, C replaced by T.
Protein change: p.Thr510Met; replaces threonine 510 with methionine.
Molecular consequence: missense variant.
Genome position (GRCh38, 1-based): chr17:65,537,507, G>A on the plus strand (C>T on the coding strand, the complement: AXIN2 is on the minus strand). VCF-style: chr17-65537507-G-A. GRCh37 (hg19) VCF-style: chr17-63533625-G-A.
Other names: c.1529C>T, p.Thr510Met (NM_001363813.1); short protein forms T510M.
Identifiers: ClinVar variation 863030 (VCV000863030.18), dbSNP rs367938045, ClinGen allele CA8718623.

ClinVar aggregate classification (germline): Uncertain significance. Review status: criteria provided, multiple submitters, no conflicts (2 of 4 stars). 4 submissions from 4 submitters: Uncertain significance (4). Last evaluated 2026-01-02.

Conditions:
Oligodontia-cancer predisposition syndrome. Also called: TOOTH AGENESIS-COLORECTAL CANCER SYNDROME. Identifiers: Orphanet 300576, MedGen C1837750, MONDO:0012075, OMIM 608615. Disease mechanism: loss of function.
Hereditary cancer-predisposing syndrome. Also called: Hereditary Cancer Syndrome; Tumor predisposition; Neoplastic Syndromes, Hereditary; Hereditary neoplastic syndrome. Identifiers: Orphanet 140162, MedGen C0027672, MeSH D009386, MONDO:0015356.

Allele frequency attached by ClinVar (database versions not stated): gnomAD exomes below 0.00001 and 0.00001; ExAC 0.00001; gnomAD 0.00001; TOPMed 0.00001; ESP Exome Variant Server 0.00008.

Submissions (4):

Labcorp Genetics (formerly Invitae), Labcorp
Classification: Uncertain significance for Oligodontia-cancer predisposition syndrome. Last evaluated: 2026-01-02. Review status: criteria provided, single submitter. Criteria: Invitae Variant Classification Sherloc (09022015). Collection method: clinical testing. Allele origin: germline.
Comment: This sequence change replaces threonine, which is neutral and polar, with methionine, which is neutral and non-polar, at codon 510 of the AXIN2 protein (p.Thr510Met). The frequency data for this variant in the population databases is considered unreliable, as metrics indicate poor data quality at this position in the gnomAD database. This variant has not been reported in the literature in individuals affected with AXIN2-related conditions. ClinVar contains an entry for this variant (Variation ID: 863030). Invitae Evidence Modeling of protein sequence and biophysical properties (such as structural, functional, and spatial information, amino acid conservation, physicochemical variation, residue mobility, and thermodynamic stability) indicates that this missense variant is not expected to disrupt AXIN2 protein function with a negative predictive value of 80%. In summary, the available evidence is currently insufficient to determine the role of this variant in disease. Therefore, it has been classified as a Variant of Uncertain Significance.

Ambry Genetics
Classification: Uncertain significance for Hereditary cancer-predisposing syndrome. Last evaluated: 2025-05-19. Review status: criteria provided, single submitter. Criteria: Ambry Variant Classification Scheme 2023. Collection method: clinical testing. Allele origin: germline.
Comment: The p.T510M variant (also known as c.1529C>T), located in coding exon 5 of the AXIN2 gene, results from a C to T substitution at nucleotide position 1529. The threonine at codon 510 is replaced by methionine, an amino acid with similar properties. This amino acid position is not well conserved in available vertebrate species, and methionine is the reference amino acid in other vertebrate species. In addition, this alteration is predicted to be tolerated by in silico analysis. Since supporting evidence is limited at this time, the clinical significance of this alteration remains unclear.

Quest Diagnostics Nichols Institute San Juan Capistrano
Classification: Uncertain significance. Last evaluated: 2022-09-15. Review status: criteria provided, single submitter. Criteria: Quest Diagnostics criteria. Collection method: clinical testing. Allele origin: unknown.
Comment: To the best of our knowledge, the variant has not been reported in the published literature. The frequency of this variant in the general population, 0.000011 (3/282484 chromosomes), is uninformative in assessment of its pathogenicity. Analysis of this variant using bioinformatics tools for the prediction of the effect of amino acid changes on protein structure and function yielded predictions that this variant is benign. Based on the available information, we are unable to determine the clinical significance of this variant.

Illumina Laboratory Services, Illumina
Classification: Uncertain significance for Oligodontia-cancer predisposition syndrome. Last evaluated: 2018-01-13. Review status: criteria provided, single submitter. Criteria: ICSL Variant Classification Criteria 13 December 2019. Collection method: clinical testing. Allele origin: germline.